The following is an entry in ClinVar:

ClinVar aggregate classification (germline): Uncertain significance (1 of 4 stars; one submission).

Conditions:
Hereditary cancer-predisposing syndrome. Also called: Neoplastic Syndromes, Hereditary; Tumor predisposition; Hereditary Cancer Syndrome; Hereditary neoplastic syndrome. Identifiers: Orphanet 140162, MedGen C0027672, MeSH D009386, MONDO:0015356.

Allele frequency attached by ClinVar (database versions not stated): ExAC 0.00001; gnomAD 0.00001; 1000 Genomes Project 30x 0.00016; 1000 Genomes Project 0.00020.
gnomAD v4.1: 1 of 1,614,136 alleles (0.000062%); highest among the groups gnomAD compares: South Asian, 0.0011%; no homozygotes.

Submission:

Ambry Genetics
Classification: Uncertain significance for Hereditary cancer-predisposing syndrome. Last evaluated: 2022-08-11. Review status: criteria provided, single submitter. Criteria: Ambry Variant Classification Scheme 2023. Collection method: clinical testing. Allele origin: germline.
Comment: The p.E663K variant (also known as c.1987G>A), located in coding exon 11 of the ALK gene, results from a G to A substitution at nucleotide position 1987. The glutamic acid at codon 663 is replaced by lysine, an amino acid with similar properties. This amino acid position is conserved. In addition, this alteration is predicted to be tolerated by in silico analysis. Since supporting evidence is limited at this time, the clinical significance of this alteration remains unclear.

NM_004304.5(ALK):c.1987G>A (p.Glu663Lys)

Gene: ALK (ALK receptor tyrosine kinase; minus strand). Cytogenetic location: 2p23.2.
Variant type: single nucleotide variant.
Coding change: c.1987G>A on transcript NM_004304.5 (MANE Select); coding-DNA position 1987, G replaced by A.
Protein change: p.Glu663Lys; replaces glutamic acid 663 with lysine.
Molecular consequence: missense variant.
Genome position (GRCh38, 1-based): chr2:29,275,153, C>T on the plus strand (G>A on the coding strand, the complement: ALK is on the minus strand). VCF-style: chr2-29275153-C-T. GRCh37 (hg19) VCF-style: chr2-29498019-C-T.
Other names: short protein forms E663K.
Identifiers: ClinVar variation 1783890 (VCV001783890.2), dbSNP rs557768696, ClinGen allele CA1594470.
Genomic context (GRCh38, chr2:29,275,153, plus strand): 5'-CCTTACCTGTAGGGTCAAAGATGGGGGTCTGTCTTGGTGAATTTTCCCCGGGTTTCAGCT[C>T]CTTGTTTGGGTTTCTCTCAAACAGGTTTCTTGATTTGGGTGCTGTATTCTGCAGGATCTT-3'
Protein context (NP_004295.2, residues 653-673): RNLFERNPNK[Glu663Lys]LKPGENSPRQ